The following is an entry in ClinVar:

ClinVar aggregate classification (germline): Uncertain significance (1 of 4 stars; one submission).

Conditions:
Charcot-Marie-Tooth disease axonal type 2O. Also called: Charcot-Marie-Tooth disease, axonal, type 20; CHARCOT-MARIE-TOOTH NEUROPATHY, AXONAL, TYPE 2O; CHARCOT-MARIE-TOOTH DISEASE, AXONAL, AUTOSOMAL DOMINANT, TYPE 2O; Charcot-Marie-Tooth Neuropathy Type 2O. Identifiers: Orphanet 284232, MedGen C3280220, MONDO:0013644, OMIM 614228.

Submission:

Labcorp Genetics (formerly Invitae), Labcorp
Classification: Uncertain significance for Charcot-Marie-Tooth disease axonal type 2O. Last evaluated: 2024-02-17. Review status: criteria provided, single submitter. Criteria: Invitae Variant Classification Sherloc (09022015). Collection method: clinical testing. Allele origin: germline.
Comment: This sequence change replaces isoleucine, which is neutral and non-polar, with phenylalanine, which is neutral and non-polar, at codon 3461 of the DYNC1H1 protein (p.Ile3461Phe). This variant is not present in population databases (gnomAD no frequency). This variant has not been reported in the literature in individuals affected with DYNC1H1-related conditions. Advanced modeling of protein sequence and biophysical properties (such as structural, functional, and spatial information, amino acid conservation, physicochemical variation, residue mobility, and thermodynamic stability) performed at Invitae indicates that this missense variant is expected to disrupt DYNC1H1 protein function with a positive predictive value of 95%. In summary, the available evidence is currently insufficient to determine the role of this variant in disease. Therefore, it has been classified as a Variant of Uncertain Significance.

NM_001376.5(DYNC1H1):c.10381A>T (p.Ile3461Phe)

Gene: DYNC1H1 (dynein cytoplasmic 1 heavy chain 1; plus strand). Cytogenetic location: 14q32.31.
Variant type: single nucleotide variant.
Coding change: c.10381A>T on transcript NM_001376.5 (MANE Select); coding-DNA position 10381, A replaced by T.
Protein change: p.Ile3461Phe; replaces isoleucine 3461 with phenylalanine.
Molecular consequence: missense variant.
Genome position (GRCh38, 1-based): chr14:102,033,452, A>T. VCF-style: chr14-102033452-A-T. GRCh37 (hg19) VCF-style: chr14-102499789-A-T.
Other names: short protein forms I3461F.
Identifiers: ClinVar variation 3636172 (VCV003636172.2).
Genomic context (GRCh38, chr14:102,033,452, plus strand): 5'-GAAGCCAGCATCGCCCGCTACAAGGAGGAATACGCCGTCCTGATCTCAGAGGCCCAGGCC[A>T]TCAAGGCAGACCTGGCAGCTGTCGAGGCAAAAGTAAGATTATCATCATTGATCCTCAGCC-3'
Protein context (NP_001367.2, residues 3451-3471): YAVLISEAQA[Ile3461Phe]KADLAAVEAK